The following is an entry in ClinVar:

NM_001844.5(COL2A1):c.506C>A (p.Pro169His)

Gene: COL2A1 (collagen type II alpha 1 chain; minus strand). Cytogenetic location: 12q13.11.
Variant type: single nucleotide variant.
Coding change: c.506C>A on transcript NM_001844.5 (MANE Select); coding-DNA position 506, C replaced by A.
Protein change: p.Pro169His; replaces proline 169 with histidine.
Molecular consequence: missense variant.
Genome position (GRCh38, 1-based): chr12:47,997,631, G>T on the plus strand (C>A on the coding strand, the complement: COL2A1 is on the minus strand). VCF-style: chr12-47997631-G-T. GRCh37 (hg19) VCF-style: chr12-48391414-G-T.
Other names: c.299C>A, p.Pro100His (NM_033150.3); short protein forms P100H, P169H.
Identifiers: ClinVar variation 943058 (VCV000943058.18), dbSNP rs746108926, ClinGen allele CA6535915.

ClinVar aggregate classification (germline): Conflicting classifications of pathogenicity. Review status: criteria provided, conflicting classifications (1 of 4 stars). 6 submissions from 6 submitters: Uncertain significance (2); Likely benign (4). Last evaluated 2026-08-30.

Conditions:
COL2A1-related disorder. Also called: COL2A1-related condition; COL2A1-related disorders.
Inborn genetic diseases. Identifiers: MedGen C0950123, MeSH D030342.

Allele frequency attached by ClinVar (database versions not stated): TOPMed 0.00001; ExAC 0.00003; gnomAD 0.00003; gnomAD exomes 0.00003 and 0.00006.
gnomAD v4.1: 21 of 1,613,636 alleles (0.0013%); highest among the groups gnomAD compares: Admixed American, 0.033%; no homozygotes.

Submissions (6):

PreventionGenetics, part of Exact Sciences
Classification: Uncertain significance for COL2A1-related condition. Last evaluated: 2026-08-30. Review status: criteria provided, single submitter. Criteria: ACMG Guidelines, 2015. Collection method: clinical testing. Allele origin: germline.
Comment: The COL2A1 c.506C>A variant is predicted to result in the amino acid substitution p.Pro169His. To our knowledge, this variant has not been reported in the literature. This variant is reported in 0.038% of alleles in individuals of Latino descent in gnomAD, which may be too frequent to be a primary cause of disease. Although we suspect that this variant may be benign, at this time, the clinical significance of this variant is uncertain due to the absence of conclusive functional and genetic evidence.

Labcorp Genetics (formerly Invitae), Labcorp
Classification: Likely benign. Last evaluated: 2025-11-10. Review status: criteria provided, single submitter. Criteria: Invitae Variant Classification Sherloc (09022015). Collection method: clinical testing. Allele origin: germline.

Ambry Genetics
Classification: Likely benign for Inborn genetic diseases. Last evaluated: 2025-08-10. Review status: criteria provided, single submitter. Criteria: Ambry Variant Classification Scheme 2023. Collection method: clinical testing. Allele origin: germline.

GeneDx
Classification: Uncertain significance. Last evaluated: 2025-04-28. Review status: criteria provided, single submitter. Criteria: GeneDx Variant Classification Process June 2021. Collection method: clinical testing. Allele origin: germline. Affected: yes.
Comment: In silico analysis supports that this missense variant has a deleterious effect on protein structure/function; Has not been previously published as pathogenic or benign to our knowledge; Not located in the triple helical region, where the majority of pathogenic missense variants occur (HGMD)

Women's Health and Genetics/Laboratory Corporation of America, LabCorp
Classification: Likely benign. Last evaluated: 2025-02-05. Review status: criteria provided, single submitter. Criteria: LabCorp Variant Classification Summary - May 2015. Collection method: clinical testing. Allele origin: germline.
Comment: Variant summary: COL2A1 c.506C>A (p.Pro169His) results in a non-conservative amino acid change in the encoded protein sequence. Four of five in-silico tools predict a damaging effect of the variant on protein function. The variant allele was found at a frequency of 5.6e-05 in 248212 control chromosomes. The observed variant frequency is approximately 4.51 fold of the estimated maximal expected allele frequency for a pathogenic variant in COL2A1 causing Achondrogenesis, Type II phenotype (1.3e-05). To our knowledge, no occurrence of c.506C>A in individuals affected with Achondrogenesis, Type II and no experimental evidence demonstrating its impact on protein function have been reported. ClinVar contains an entry for this variant (Variation ID: 943058). Based on the evidence outlined above, the variant was classified as likely benign.

Blueprint Genetics
Classification: Likely benign. Last evaluated: 2022-11-17. Review status: criteria provided, single submitter. Criteria: ACMG Guidelines, 2015. Collection method: clinical testing. Allele origin: germline.